The following is an entry in ClinVar:

NM_004447.6(EPS8):c.1403G>A (p.Arg468His)

Gene: EPS8 (EGFR pathway substrate 8, signaling adaptor; minus strand). Cytogenetic location: 12p12.3.
Variant type: single nucleotide variant.
Coding change: c.1403G>A on transcript NM_004447.6 (MANE Select); coding-DNA position 1403, G replaced by A.
Protein change: p.Arg468His; replaces arginine 468 with histidine.
Molecular consequence: missense variant.
Genome position (GRCh38, 1-based): chr12:15,650,854, C>T on the plus strand (G>A on the coding strand, the complement: EPS8 is on the minus strand). VCF-style: chr12-15650854-C-T. GRCh37 (hg19) VCF-style: chr12-15803788-C-T.
Other names: c.1403G>A, p.Arg468His (NM_001413831.1, NM_001413832.1, NM_001413833.1 and 2 more transcripts); c.1163G>A, p.Arg388His (NM_001413835.1, NM_001413836.1); c.986G>A, p.Arg329His (NM_001413837.1); c.623G>A, p.Arg208His (NM_001413838.1); c.1403G>A (NM_004447.5); short protein forms R388H, R468H, R329H, R208H.
Identifiers: ClinVar variation 1914354 (VCV001914354.6), dbSNP rs748350706, ClinGen allele CA6467586.
Genomic context (GRCh38, chr12:15,650,854, plus strand): 5'-ACAGAGGGCAATGTTAAAAAAAAAACTACCTCTGTGGATAATCTTTTTATTTCCTGTTTG[C>T]GCTGATGTTCTGCTACATTTGCCACAGATTCTGCCAGTTGATAAAGATCTTGTTCCATTG-3'
Protein context (NP_004438.3, residues 458-478): ESVANVAEHQ[Arg468His]KQEIKRLSTE

ClinVar aggregate classification (germline): Uncertain significance. Review status: criteria provided, multiple submitters, no conflicts (2 of 4 stars). 2 submissions from 2 submitters: Uncertain significance (2). Last evaluated 2025-10-01.

Allele frequency attached by ClinVar (database versions not stated): gnomAD exomes 0.00001; ExAC 0.00002.
gnomAD v4.1: 17 of 1,613,650 alleles (0.0011%); highest among the groups gnomAD compares: Middle Eastern, 0.017%; no homozygotes.

Submissions (2):

Labcorp Genetics (formerly Invitae), Labcorp
Classification: Uncertain significance. Last evaluated: 2025-10-01. Review status: criteria provided, single submitter. Criteria: Invitae Variant Classification Sherloc (09022015). Collection method: clinical testing. Allele origin: germline.
Comment: This sequence change replaces arginine, which is basic and polar, with histidine, which is basic and polar, at codon 468 of the EPS8 protein (p.Arg468His). This variant is present in population databases (rs748350706, gnomAD 0.003%). This variant has not been reported in the literature in individuals affected with EPS8-related conditions. ClinVar contains an entry for this variant (Variation ID: 1914354). An algorithm developed to predict the effect of missense changes on protein structure and function outputs the following: PolyPhen-2: "Benign". The histidine amino acid residue is found in multiple mammalian species, which suggests that this missense change does not adversely affect protein function. In summary, the available evidence is currently insufficient to determine the role of this variant in disease. Therefore, it has been classified as a Variant of Uncertain Significance.

GeneDx
Classification: Uncertain significance. Last evaluated: 2024-07-01. Review status: criteria provided, single submitter. Criteria: GeneDx Variant Classification Process June 2021. Collection method: clinical testing. Allele origin: germline. Affected: yes.
Comment: Not observed at significant frequency in large population cohorts (gnomAD); In silico analysis indicates that this missense variant does not alter protein structure/function; Has not been previously published as pathogenic or benign to our knowledge